The following is an entry in ClinVar:

NM_001368397.1(FRMPD4):c.3251C>T (p.Thr1084Ile)

Gene: FRMPD4 (FERM and PDZ domain containing 4; plus strand). Cytogenetic location: Xp22.2.
Variant type: single nucleotide variant.
Coding change: c.3251C>T on transcript NM_001368397.1 (MANE Select); coding-DNA position 3251, C replaced by T.
Protein change: p.Thr1084Ile; replaces threonine 1084 with isoleucine.
Molecular consequence: missense variant.
Genome position (GRCh38, 1-based): chrX:12,718,077, C>T. VCF-style: chrX-12718077-C-T. GRCh37 (hg19) VCF-style: chrX-12736196-C-T.
Other names: c.3362C>T, p.Thr1121Ile (NM_001368395.3, NM_001368398.3); c.3257C>T, p.Thr1086Ile (NM_001368396.3); c.3242C>T, p.Thr1081Ile (NM_001368399.3); c.3131C>T, p.Thr1044Ile (NM_001368400.3); c.3227C>T, p.Thr1076Ile (NM_001368401.1, NM_001368402.3); c.3251C>T, p.Thr1084Ile (NM_014728.3); short protein forms T1044I, T1076I, T1081I, T1084I, T1086I, T1121I.
Identifiers: ClinVar variation 4076545 (VCV004076545.1).
Genomic context (GRCh38, chrX:12,718,077, plus strand): 5'-AATTTGGTACTGTGTCTTCACGAGACAGTCAACACCTGAGCACTTTTAATCTGGAGAGAA[C>T]TGCCTTTCGCAAGGACAGTCAAAGATGGTATGTGGCCACTGAAGGTGGGATGGCTGAAAA-3'
Protein context (NP_001355326.1, residues 1074-1094): QHLSTFNLER[Thr1084Ile]AFRKDSQRWY

ClinVar aggregate classification (germline): Uncertain significance (1 of 4 stars; one submission).

Submission:

GeneDx
Classification: Uncertain significance. Last evaluated: 2025-02-24. Review status: criteria provided, single submitter. Criteria: GeneDx Variant Classification Process June 2021. Collection method: clinical testing. Allele origin: germline. Affected: yes.
Comment: Not observed at significant frequency in large population cohorts (gnomAD); In silico analysis indicates that this missense variant does not alter protein structure/function; Has not been previously published as pathogenic or benign to our knowledge